The following is an entry in ClinVar:

NM_001099274.3(TINF2):c.1227T>C (p.Ser409=)

Gene: TINF2 (TERF1 interacting nuclear factor 2; minus strand). Cytogenetic location: 14q12.
Variant type: single nucleotide variant.
Coding change: c.1227T>C on transcript NM_001099274.3 (MANE Select); coding-DNA position 1227, T replaced by C.
Protein change: p.Ser409=; no amino-acid change (serine 409 retained).
Molecular consequence: synonymous variant. On other transcripts: 3 prime UTR variant (1).
Genome position (GRCh38, 1-based): chr14:24,239,926, A>G on the plus strand (T>C on the coding strand, the complement: TINF2 is on the minus strand). VCF-style: chr14-24239926-A-G. GRCh37 (hg19) VCF-style: chr14-24709132-A-G.
Other names: c.1122T>C, p.Ser374= (NM_001363668.2); c.*489T>C (NM_012461.3); c.1227T>C (NM_001099274.1).
Identifiers: ClinVar variation 2198060 (VCV002198060.9), dbSNP rs2502448874, ClinGen allele CA485781995.

ClinVar aggregate classification (germline): Likely benign. Review status: criteria provided, multiple submitters, no conflicts (2 of 4 stars). 5 submissions from 5 submitters: Likely benign (4). 1 of the submissions does not count toward it. Last evaluated 2025-12-29.

Conditions:
TINF2-related disorder. Also called: TINF2-related condition.
Dyskeratosis congenita. Identifiers: Orphanet 1775, MedGen C0265965, MONDO:0015780.

Submissions (5):

Center for Genomic Medicine, Rigshospitalet, Copenhagen University Hospital
Classification: Likely benign. Last evaluated: 2025-12-29. Review status: criteria provided, single submitter. Criteria: ACMG Guidelines, 2015. Collection method: clinical testing. Allele origin: germline.

Labcorp Genetics (formerly Invitae), Labcorp
Classification: Likely benign for Dyskeratosis congenita. Last evaluated: 2025-11-09. Review status: criteria provided, single submitter. Criteria: Invitae Variant Classification Sherloc (09022015). Collection method: clinical testing. Allele origin: germline.

Ambry Genetics
Classification: Likely benign for Dyskeratosis congenita. Last evaluated: 2025-09-28. Review status: criteria provided, single submitter. Criteria: Ambry Variant Classification Scheme 2023. Collection method: clinical testing. Allele origin: germline.

Blueprint Genetics
Classification: Likely benign. Last evaluated: 2024-11-26. Review status: criteria provided, single submitter. Criteria: ACMG Guidelines, 2015. Collection method: clinical testing. Allele origin: germline.

PreventionGenetics, part of Exact Sciences
Classification: Likely benign for TINF2-related condition. Last evaluated: 2020-05-18. Review status: no assertion criteria provided. Collection method: clinical testing. Allele origin: germline. Not counted in ClinVar's aggregate classification.
Comment: This variant is classified as likely benign based on ACMG/AMP sequence variant interpretation guidelines (Richards et al. 2015 PMID: 25741868, with internal and published modifications).